The following is an entry in ClinVar:

NM_002693.3(POLG):c.1933dup (p.Val645fs)

Gene: POLG (DNA polymerase gamma, catalytic subunit; minus strand). Cytogenetic location: 15q26.1.
Variant type: Duplication.
Coding change: c.1933dup on transcript NM_002693.3 (MANE Select); coding-DNA position 1933, one base duplicated (G; older notation c.1933dupG).
Protein change: p.Val645fs; shifts the reading frame from valine 645.
Molecular consequence: frameshift variant.
Genome position (GRCh38, 1-based): chr15:89,325,466, C duplicated on the plus strand (G on the coding strand, the reverse complement: POLG is on the minus strand); the first of 4 consecutive C bases (chr15:89,325,466-89,325,469); duplicating any one gives the same sequence. VCF-style (leftmost placement, unchanged base first): chr15-89325465-A-AC. GRCh37 (hg19) VCF-style: chr15-89868696-A-AC.
Other names: c.1933dup, p.Val645fs (NM_001126131.2); short protein forms V645fs.
Identifiers: ClinVar variation 5013836 (VCV005013836.1).

ClinVar aggregate classification (germline): Pathogenic (1 of 4 stars; one submission).

Conditions:
POLG-related disorder. Also called: POLG-Related Spectrum Disorders; POLG-related condition; POLG-Related Disorders. Identifiers: MedGen C4763519.

Submission:

Myriad Genetics, Inc.
Classification: Pathogenic for POLG-related disorder. Last evaluated: 2024-12-03. Review status: criteria provided, single submitter. Criteria: Myriad Autosomal Dominant, Autosomal Recessive and X-Linked Classification Criteria (2023). Collection method: clinical testing. Allele origin: unknown.
Comment: NM_002693.2(POLG):c.1933dupG(V645Gfs*39) is expected to be pathogenic in the context of POLG-related disorders. This variant is predicted to lead to an abnormal or absent protein product due to the creation of a premature termination codon in POLG, a gene where loss-of-function variants are known to be pathogenic. Please note: this variant was assessed in the context of healthy population screening.